The following is an entry in ClinVar:

ClinVar aggregate classification (germline): Uncertain significance (1 of 4 stars; one submission).

Conditions:
2-aminoadipic 2-oxoadipic aciduria (AAKAD). Also called: ALPHA-AMINOADIPIC AND ALPHA-KETOADIPIC ACIDURIA; Aminoadipic aciduria. Identifiers: Orphanet 79154, MedGen C1859817, MONDO:0008774, OMIM 204750.

Submission:

Labcorp Genetics (formerly Invitae), Labcorp
Classification: Uncertain significance for 2-aminoadipic 2-oxoadipic aciduria. Last evaluated: 2024-03-07. Review status: criteria provided, single submitter. Criteria: Invitae Variant Classification Sherloc (09022015). Collection method: clinical testing. Allele origin: germline.
Comment: This sequence change replaces arginine, which is basic and polar, with lysine, which is basic and polar, at codon 499 of the DHTKD1 protein (p.Arg499Lys). This variant is not present in population databases (gnomAD no frequency). This variant has not been reported in the literature in individuals affected with DHTKD1-related conditions. An algorithm developed to predict the effect of missense changes on protein structure and function (PolyPhen-2) suggests that this variant is likely to be tolerated. In summary, the available evidence is currently insufficient to determine the role of this variant in disease. Therefore, it has been classified as a Variant of Uncertain Significance.

NM_018706.7(DHTKD1):c.1496G>A (p.Arg499Lys)

Gene: DHTKD1 (dehydrogenase E1 and transketolase domain containing 1; plus strand). Cytogenetic location: 10p14.
Variant type: single nucleotide variant.
Coding change: c.1496G>A on transcript NM_018706.7 (MANE Select); coding-DNA position 1496, G replaced by A.
Protein change: p.Arg499Lys; replaces arginine 499 with lysine.
Molecular consequence: missense variant.
Genome position (GRCh38, 1-based): chr10:12,097,821, G>A. VCF-style: chr10-12097821-G-A. GRCh37 (hg19) VCF-style: chr10-12139820-G-A.
Other names: short protein forms R499K.
Identifiers: ClinVar variation 2743288 (VCV002743288.3), dbSNP rs2491491748, ClinGen allele CA376021402.